The following is an entry in ClinVar:

NM_001277115.2(DNAH11):c.6955G>A (p.Val2319Met)

Gene: DNAH11 (dynein axonemal heavy chain 11; plus strand). Cytogenetic location: 7p15.3.
Variant type: single nucleotide variant.
Coding change: c.6955G>A on transcript NM_001277115.2 (MANE Select); coding-DNA position 6955, G replaced by A.
Protein change: p.Val2319Met; replaces valine 2319 with methionine.
Molecular consequence: missense variant.
Genome position (GRCh38, 1-based): chr7:21,711,832, G>A. VCF-style: chr7-21711832-G-A. GRCh37 (hg19) VCF-style: chr7-21751450-G-A.
Other names: short protein forms V2319M.
Identifiers: ClinVar variation 3272606 (VCV003272606.1).

ClinVar aggregate classification (germline): Uncertain significance (1 of 4 stars; one submission).

Conditions:
Primary ciliary dyskinesia. Also called: Ciliary dyskinesia. Identifiers: Orphanet 244, MedGen C0008780, MONDO:0016575, HP:0012265.

gnomAD v4.1: 4 of 1,613,622 alleles (0.00025%); highest among the groups gnomAD compares: Non-Finnish European, 0.00034%; no homozygotes.

Submission:

Ambry Genetics
Classification: Uncertain significance for Primary ciliary dyskinesia. Last evaluated: 2024-04-06. Review status: criteria provided, single submitter. Criteria: Ambry Variant Classification Scheme 2023. Collection method: clinical testing. Allele origin: germline.
Comment: The p.V2319M variant (also known as c.6955G>A), located in coding exon 42 of the DNAH11 gene, results from a G to A substitution at nucleotide position 6955. The valine at codon 2319 is replaced by methionine, an amino acid with highly similar properties. This amino acid position is conserved. In addition, this alteration is predicted to be tolerated by in silico analysis. Based on the available evidence, the clinical significance of this variant remains unclear.